The following is an entry in ClinVar:

ClinVar aggregate classification (germline): Likely pathogenic (1 of 4 stars; one submission).

Conditions:
Autosomal recessive polycystic kidney disease (ARPKD). Also called: AR polycystic kidney disease. Identifiers: Orphanet 731, Orphanet 8378, MedGen C0085548, MeSH D017044, MONDO:0009889.

Submission:

Natera, Inc.
Classification: Likely pathogenic for Autosomal recessive polycystic kidney disease. Last evaluated: 2024-09-30. Review status: criteria provided, single submitter. Criteria: Natera Variant Classification Schema (03/2026). Collection method: clinical testing. Allele origin: germline.
Comment: The c.8171C>G variant in PKHD1 is a nonsense variant predicted to introduce a stop codon at amino acid 2724. This variant is expected to result in nonsense mediated decay, truncation, or a dysfunctional protein product. This variant is rare in the general population with a frequency below the threshold expected for the associated phenotype(s). Given the available evidence, this variant is classified as Likely Pathogenic.

NM_138694.4(PKHD1):c.8171C>G (p.Ser2724Ter)

Gene: PKHD1 (PKHD1 ciliary IPT domain containing fibrocystin/polyductin; minus strand). Cytogenetic location: 6p12.2.
Variant type: single nucleotide variant.
Coding change: c.8171C>G on transcript NM_138694.4 (MANE Select); coding-DNA position 8171, C replaced by G.
Protein change: p.Ser2724Ter; replaces serine 2724 with a stop codon.
Molecular consequence: nonsense.
Genome position (GRCh38, 1-based): chr6:51,836,406, G>C on the plus strand (C>G on the coding strand, the complement: PKHD1 is on the minus strand). VCF-style: chr6-51836406-G-C. GRCh37 (hg19) VCF-style: chr6-51701204-G-C.
Other names: c.8171C>G, p.Ser2724Ter (NM_170724.3); short protein forms S2724*.
Identifiers: ClinVar variation 4816761 (VCV004816761.1).
Genomic context (GRCh38, chr6:51,836,406, plus strand): 5'-AACTACTGGAGGACATTCTGCCATACTAGACACTTCTACTTCGTGTGTTAATACTCACCT[G>C]AAATAGTTGGGGGCATACCTTCCTTCACCCGGAGAATGACTTGAACTTGGCCTTCACCTG-3'